The following is an entry in ClinVar:

ClinVar aggregate classification (germline): Uncertain significance (1 of 4 stars; one submission).

Conditions:
Ullrich congenital muscular dystrophy 2 (UCMD2). Identifiers: Orphanet 75840, MedGen C4225314, MONDO:0014654, OMIM 616470.
Bethlem myopathy 2 (BTHLM2). Identifiers: Orphanet 536516, Orphanet 610, MedGen C4225313, MONDO:0034022, OMIM 616471.

Submission:

Labcorp Genetics (formerly Invitae), Labcorp
Classification: Uncertain significance for Bethlem myopathy 2; Ullrich congenital muscular dystrophy 2. Last evaluated: 2025-12-08. Review status: criteria provided, single submitter. Criteria: Invitae Variant Classification Sherloc (09022015). Collection method: clinical testing. Allele origin: germline.
Comment: This sequence change replaces valine, which is neutral and non-polar, with alanine, which is neutral and non-polar, at codon 1201 of the COL12A1 protein (p.Val1201Ala). This variant is not present in population databases (gnomAD no frequency). This variant has not been reported in the literature in individuals affected with COL12A1-related conditions. Invitae Evidence Modeling of protein sequence and biophysical properties (such as structural, functional, and spatial information, amino acid conservation, physicochemical variation, residue mobility, and thermodynamic stability) has been performed for this missense variant. However, the output from this modeling did not meet the statistical confidence thresholds required to predict the impact of this variant on COL12A1 protein function. In summary, the available evidence is currently insufficient to determine the role of this variant in disease. Therefore, it has been classified as a Variant of Uncertain Significance.

NM_004370.6(COL12A1):c.3602T>C (p.Val1201Ala)

Gene: COL12A1 (collagen type XII alpha 1 chain; minus strand). Cytogenetic location: 6q13.
Variant type: single nucleotide variant.
Coding change: c.3602T>C on transcript NM_004370.6 (MANE Select); coding-DNA position 3602, T replaced by C.
Protein change: p.Val1201Ala; replaces valine 1201 with alanine.
Molecular consequence: missense variant.
Genome position (GRCh38, 1-based): chr6:75,152,446, A>G on the plus strand (T>C on the coding strand, the complement: COL12A1 is on the minus strand). VCF-style: chr6-75152446-A-G. GRCh37 (hg19) VCF-style: chr6-75862162-A-G.
Other names: c.3602T>C, p.Val1201Ala (NM_001424113.1, NM_001424114.1); c.3329T>C, p.Val1110Ala (NM_001424115.1); c.110T>C, p.Val37Ala (NM_001424116.1, NM_080645.3); short protein forms V1110A, V1201A, V37A.
Identifiers: ClinVar variation 4789944 (VCV004789944.1).